The following is an entry in ClinVar:

ClinVar aggregate classification (germline): Pathogenic/Likely pathogenic. Review status: criteria provided, multiple submitters, no conflicts (2 of 4 stars). 3 submissions from 3 submitters: Pathogenic (1); Likely pathogenic (2). Last evaluated 2025-10-26.

Conditions:
STUB1-related disorder. Also called: STUB1-related condition.

Allele frequency attached by ClinVar (database versions not stated): gnomAD exomes 0.00001; gnomAD 0.00002; TOPMed 0.00002; ExAC 0.00007.
gnomAD v4.1: 12 of 1,243,756 alleles (0.00096%); highest among the groups gnomAD compares: South Asian, 0.0081%; no homozygotes.

Submissions (3):

Labcorp Genetics (formerly Invitae), Labcorp
Classification: Pathogenic. Last evaluated: 2025-10-26. Review status: criteria provided, single submitter. Criteria: Invitae Variant Classification Sherloc (09022015). Collection method: clinical testing. Allele origin: germline.
Comment: This sequence change replaces tyrosine, which is neutral and polar, with cysteine, which is neutral and slightly polar, at codon 49 of the STUB1 protein (p.Tyr49Cys). This variant is not present in population databases (gnomAD no frequency). This missense change has been observed in individuals with spinocerebellar ataxia (PMID: 32713943, 33417001, 33624863, 34906452; external communication). It has also been observed to segregate with disease in related individuals. ClinVar contains an entry for this variant (Variation ID: 1697978). Invitae Evidence Modeling of protein sequence and biophysical properties (such as structural, functional, and spatial information, amino acid conservation, physicochemical variation, residue mobility, and thermodynamic stability) indicates that this missense variant is expected to disrupt STUB1 protein function with a positive predictive value of 80%. For these reasons, this variant has been classified as Pathogenic.

GeneDx
Classification: Likely pathogenic. Last evaluated: 2025-07-13. Review status: criteria provided, single submitter. Criteria: GeneDx Variant Classification Process June 2021. Collection method: clinical testing. Allele origin: germline.
Comment: Reported as heterozygous in multiple additional patients with ataxia; however, detailed clinical and segregation information was unavailable and some probands also harbored variants in other genes (PMID: 32713943, 33564152, 33624863, 34906452); Not observed at significant frequency in large population cohorts (gnomAD); In silico analysis supports that this missense variant has a deleterious effect on protein structure/function; This variant is associated with the following publications: (PMID: 33624863, 33417001, 35588347, 36422518, 34906452, 32713943, 33564152, Kasprazak caserep[2025], 38962894, 39950762, 38973070, 38012514)

Blueprint Genetics
Classification: Likely pathogenic for STUB1-related disorders. Last evaluated: 2019-11-19. Review status: criteria provided, single submitter. Criteria: ACMG Guidelines, 2015. Collection method: clinical testing. Allele origin: de novo. Affected: yes. Observed: 2 variant alleles.

Literature cited by the submitters: PubMed 32713943 (cited by Labcorp Genetics (formerly Invitae), Labcorp); PubMed 33417001 (cited by Labcorp Genetics (formerly Invitae), Labcorp); PubMed 33624863 (cited by Labcorp Genetics (formerly Invitae), Labcorp); PubMed 34906452 (cited by Labcorp Genetics (formerly Invitae), Labcorp).

NM_005861.4(STUB1):c.146A>G (p.Tyr49Cys)

Gene: STUB1 (STIP1 homology and U-box containing protein 1; plus strand). Cytogenetic location: 16p13.3.
Variant type: single nucleotide variant.
Coding change: c.146A>G on transcript NM_005861.4 (MANE Select); coding-DNA position 146, A replaced by G.
Protein change: p.Tyr49Cys; replaces tyrosine 49 with cysteine.
Molecular consequence: missense variant. On other transcripts: 5 prime UTR variant (1).
Genome position (GRCh38, 1-based): chr16:680,671, A>G. VCF-style: chr16-680671-A-G. GRCh37 (hg19) VCF-style: chr16-730671-A-G.
Other names: c.-160A>G (NM_001293197.2); short protein forms Y49C.
Identifiers: ClinVar variation 1697978 (VCV001697978.7), dbSNP rs757849639, ClinGen allele CA7786524.
Genomic context (GRCh38, chr16:680,671, plus strand): 5'-TCAAGGAGCAGGGCAATCGTCTGTTCGTGGGCCGAAAGTACCCGGAGGCGGCGGCCTGCT[A>G]CGGCCGCGCGATCGTGAGTGCGCCCGCGCGGGGAGGGCGGCGGCGGTGGCACCGGGGAGG-3'
Protein context (NP_005852.2, residues 39-59): GRKYPEAAAC[Tyr49Cys]GRAITRNPLV